The following is an entry in ClinVar:

NM_001127208.3(TET2):c.4939G>A (p.Gly1647Ser)

Genes: TET2 (tet methylcytosine dioxygenase 2; plus strand), TET2-AS1 (TET2 antisense RNA 1; minus strand). Cytogenetic location: 4q24.
Variant type: single nucleotide variant.
Coding change: c.4939G>A on transcript NM_001127208.3 (MANE Select); coding-DNA position 4939, G replaced by A.
Protein change: p.Gly1647Ser; replaces glycine 1647 with serine.
Molecular consequence: missense variant.
Genome position (GRCh38, 1-based): chr4:105,275,449, G>A. VCF-style: chr4-105275449-G-A. GRCh37 (hg19) VCF-style: chr4-106196606-G-A.
Other names: short protein forms G1647S.
Identifiers: ClinVar variation 4693449 (VCV004693449.1).

ClinVar aggregate classification (germline): Uncertain significance (1 of 4 stars; one submission).

gnomAD v4.1: 1 of 1,551,548 alleles (0.000064%); highest among the groups gnomAD compares: Non-Finnish European, 0.000087%; no homozygotes.

Submission:

Labcorp Genetics (formerly Invitae), Labcorp
Classification: Uncertain significance. Last evaluated: 2025-07-03. Review status: criteria provided, single submitter. Criteria: Invitae Variant Classification Sherloc (09022015). Collection method: clinical testing. Allele origin: germline.
Comment: This sequence change replaces glycine, which is neutral and non-polar, with serine, which is neutral and polar, at codon 1647 of the TET2 protein (p.Gly1647Ser). This variant is not present in population databases (gnomAD no frequency). This variant has not been reported in the literature in individuals affected with TET2-related conditions. An algorithm developed to predict the effect of missense changes on protein structure and function outputs the following: PolyPhen-2: "Benign". The serine amino acid residue is found in multiple mammalian species, which suggests that this missense change does not adversely affect protein function. In summary, the available evidence is currently insufficient to determine the role of this variant in disease. Therefore, it has been classified as a Variant of Uncertain Significance.